The following is an entry in ClinVar:

NM_000540.3(RYR1):c.7028-13T>C

Gene: RYR1 (ryanodine receptor 1; plus strand). Cytogenetic location: 19q13.2.
Variant type: single nucleotide variant.
Coding change: c.7028-13T>C on transcript NM_000540.3 (MANE Select); 13 bases into the intron before coding-DNA position 7028, T replaced by C.
Molecular consequence: intron variant.
Genome position (GRCh38, 1-based): chr19:38,499,622, T>C. VCF-style: chr19-38499622-T-C. GRCh37 (hg19) VCF-style: chr19-38990262-T-C.
Other names: c.7028-13T>C (NM_001042723.2).
Identifiers: ClinVar variation 1302087 (VCV001302087.5), dbSNP rs773283518, ClinGen allele CA069025.

ClinVar aggregate classification (germline): Conflicting classifications of pathogenicity. Review status: criteria provided, conflicting classifications (1 of 4 stars). 2 submissions from 2 submitters: Uncertain significance (1); Likely benign (1). Last evaluated 2023-07-10.

Conditions:
RYR1-related disorder. Also called: RYR1-related condition; RYR1-related disorders. Identifiers: MedGen CN239331.

Allele frequency attached by ClinVar (database versions not stated): gnomAD exomes below 0.00001; ExAC 0.00001.
gnomAD v4.1: 3 of 1,597,094 alleles (0.00019%); highest among the groups gnomAD compares: East Asian, 0.0022%; no homozygotes.

Submissions (2):

Labcorp Genetics (formerly Invitae), Labcorp
Classification: Likely benign for RYR1-related disorder. Last evaluated: 2023-07-10. Review status: criteria provided, single submitter. Criteria: Invitae Variant Classification Sherloc (09022015). Collection method: clinical testing. Allele origin: germline.

GeneDx
Classification: Uncertain significance. Last evaluated: 2019-06-12. Review status: criteria provided, single submitter. Criteria: GeneDx Variant Classification Process June 2021. Collection method: clinical testing. Allele origin: germline. Affected: yes.
Comment: Not observed at a significant frequency in large population cohorts (Lek et al., 2016); Has not been previously published as pathogenic or benign to our knowledge; In-silico analysis, which includes splice predictors and evolutionary conservation, is inconclusive as to whether the variant alters gene splicing. In the absence of RNA/functional studies, the actual effect of this sequence change is unknown.